The following is an entry in ClinVar:

ClinVar aggregate classification (germline): Likely benign. Review status: criteria provided, multiple submitters, no conflicts (2 of 4 stars). 3 submissions from 3 submitters: Likely benign (2). 1 of the submissions does not count toward it. Last evaluated 2025-12-03.

Conditions:
SCLT1-related disorder. Also called: SCLT1-related condition.

Allele frequency attached by ClinVar (database versions not stated): ExAC 0.00017.
gnomAD v4.1: 55 of 1,522,652 alleles (0.0036%); highest among the groups gnomAD compares: Admixed American, 0.098%; no homozygotes.

Submissions (3):

Labcorp Genetics (formerly Invitae), Labcorp
Classification: Likely benign. Last evaluated: 2025-12-03. Review status: criteria provided, single submitter. Criteria: Invitae Variant Classification Sherloc (09022015). Collection method: clinical testing. Allele origin: germline.

Blueprint Genetics
Classification: Likely benign. Last evaluated: 2022-02-18. Review status: criteria provided, single submitter. Criteria: ACMG Guidelines, 2015. Collection method: clinical testing. Allele origin: germline.

PreventionGenetics, part of Exact Sciences
Classification: Likely benign for SCLT1-related condition. Last evaluated: 2024-08-06. Review status: no assertion criteria provided. Collection method: clinical testing. Allele origin: germline. Not counted in ClinVar's aggregate classification.
Comment: This variant is classified as likely benign based on ACMG/AMP sequence variant interpretation guidelines (Richards et al. 2015 PMID: 25741868, with internal and published modifications).

NM_144643.4(SCLT1):c.103-4A>T

Gene: SCLT1 (sodium channel and clathrin linker 1; minus strand). Cytogenetic location: 4q28.2.
Variant type: single nucleotide variant.
Coding change: c.103-4A>T on transcript NM_144643.4 (MANE Select); 4 bases into the intron before coding-DNA position 103, A replaced by T.
Molecular consequence: intron variant.
Genome position (GRCh38, 1-based): chr4:129,044,055, T>A on the plus strand (A>T on the coding strand, the complement: SCLT1 is on the minus strand). VCF-style: chr4-129044055-T-A. GRCh37 (hg19) VCF-style: chr4-129965210-T-A.
Other names: c.103-4A>T (NM_144643.3, NM_001300898.2, NM_001300897.2).
Identifiers: ClinVar variation 1578189 (VCV001578189.10), dbSNP rs772301009, ClinGen allele CA3080066.